The following is an entry in ClinVar:

ClinVar aggregate classification (germline): Uncertain significance (1 of 4 stars; one submission).

gnomAD v4.1: 4 of 1,608,432 alleles (0.00025%); highest among the groups gnomAD compares: Non-Finnish European, 0.00034%; no homozygotes.

Submission:

GeneDx
Classification: Uncertain significance. Last evaluated: 2023-10-25. Review status: criteria provided, single submitter. Criteria: GeneDx Variant Classification Process June 2021. Collection method: clinical testing. Allele origin: germline. Affected: yes.
Comment: Not observed at significant frequency in large population cohorts (gnomAD); In silico analysis supports that this missense variant does not alter protein structure/function; Has not been previously published as pathogenic or benign to our knowledge

NM_032575.3(GLIS2):c.1039T>C (p.Tyr347His)

Gene: GLIS2 (GLIS family zinc finger 2; plus strand). Cytogenetic location: 16p13.3.
Variant type: single nucleotide variant.
Coding change: c.1039T>C on transcript NM_032575.3 (MANE Select); coding-DNA position 1039, T replaced by C.
Protein change: p.Tyr347His; replaces tyrosine 347 with histidine.
Molecular consequence: missense variant.
Genome position (GRCh38, 1-based): chr16:4,336,988, T>C. VCF-style: chr16-4336988-T-C. GRCh37 (hg19) VCF-style: chr16-4386989-T-C.
Other names: c.1039T>C, p.Tyr347His (NM_001318918.2); short protein forms Y347H.
Identifiers: ClinVar variation 3363279 (VCV003363279.1).